The following is an entry in ClinVar:

ClinVar aggregate classification (germline): Uncertain significance. Review status: criteria provided, multiple submitters, no conflicts (2 of 4 stars). 2 submissions from 2 submitters: Uncertain significance (2). Last evaluated 2024-06-23.

Conditions:
Joubert syndrome 14 (JBTS14). Identifiers: MedGen C3280766, MONDO:0013745, OMIM 614424.

Allele frequency attached by ClinVar (database versions not stated): TOPMed 0.00001; ExAC 0.00002; gnomAD exomes 0.00002.
gnomAD v4.1: 13 of 1,613,560 alleles (0.00081%); highest among the groups gnomAD compares: Admixed American, 0.0033%; no homozygotes.

Submissions (2):

Fulgent Genetics
Classification: Uncertain significance for Joubert syndrome 14. Last evaluated: 2024-06-23. Review status: criteria provided, single submitter. Criteria: ACMG Guidelines, 2015. Collection method: clinical testing. Allele origin: germline.

Labcorp Genetics (formerly Invitae), Labcorp
Classification: Uncertain significance for Joubert syndrome 14. Last evaluated: 2022-07-05. Review status: criteria provided, single submitter. Criteria: Invitae Variant Classification Sherloc (09022015). Collection method: clinical testing. Allele origin: germline.
Comment: This sequence change replaces arginine, which is basic and polar, with tryptophan, which is neutral and slightly polar, at codon 185 of the TMEM237 protein (p.Arg185Trp). This variant is present in population databases (rs754056989, gnomAD 0.009%). This variant has not been reported in the literature in individuals affected with TMEM237-related conditions. ClinVar contains an entry for this variant (Variation ID: 1037464). Algorithms developed to predict the effect of missense changes on protein structure and function are either unavailable or do not agree on the potential impact of this missense change (SIFT: "Deleterious"; PolyPhen-2: "Probably Damaging"; Align-GVGD: "Class C15"). Algorithms developed to predict the effect of sequence changes on RNA splicing suggest that this variant may disrupt the consensus splice site. In summary, the available evidence is currently insufficient to determine the role of this variant in disease. Therefore, it has been classified as a Variant of Uncertain Significance.

NM_001044385.3(TMEM237):c.553C>T (p.Arg185Trp)

Gene: TMEM237 (transmembrane protein 237; minus strand). Cytogenetic location: 2q33.1.
Variant type: single nucleotide variant.
Coding change: c.553C>T on transcript NM_001044385.3 (MANE Select); coding-DNA position 553, C replaced by T.
Protein change: p.Arg185Trp; replaces arginine 185 with tryptophan.
Molecular consequence: missense variant.
Genome position (GRCh38, 1-based): chr2:201,632,051, G>A on the plus strand (C>T on the coding strand, the complement: TMEM237 is on the minus strand). VCF-style: chr2-201632051-G-A. GRCh37 (hg19) VCF-style: chr2-202496774-G-A.
Other names: c.529C>T, p.Arg177Trp (NM_152388.4); short protein forms R185W, R177W.
Identifiers: ClinVar variation 1037464 (VCV001037464.5), dbSNP rs754056989, ClinGen allele CA2056463.